The following is an entry in ClinVar:

NM_000053.4(ATP7B):c.367G>T (p.Ala123Ser)

Gene: ATP7B (ATPase copper transporting beta; minus strand). Cytogenetic location: 13q14.3.
Variant type: single nucleotide variant.
Coding change: c.367G>T on transcript NM_000053.4 (MANE Select); coding-DNA position 367, G replaced by T.
Protein change: p.Ala123Ser; replaces alanine 123 with serine.
Molecular consequence: missense variant.
Genome position (GRCh38, 1-based): chr13:51,974,853, C>A on the plus strand (G>T on the coding strand, the complement: ATP7B is on the minus strand). VCF-style: chr13-51974853-C-A. GRCh37 (hg19) VCF-style: chr13-52548989-C-A.
Other names: c.367G>T, p.Ala123Ser (NM_001005918.3, NM_001243182.2, NM_001330578.2 and 1 more transcripts); short protein forms A123S.
Identifiers: ClinVar variation 1684070 (VCV001684070.2), dbSNP rs758769928, ClinGen allele CA388044200.

ClinVar aggregate classification (germline): Uncertain significance (1 of 4 stars; one submission).

Submission:

GeneDx
Classification: Uncertain significance. Last evaluated: 2021-11-10. Review status: criteria provided, single submitter. Criteria: GeneDx Variant Classification Process June 2021. Collection method: clinical testing. Allele origin: germline. Affected: yes.
Comment: Not observed at significant frequency in large population cohorts (gnomAD); In silico analysis supports that this missense variant does not alter protein structure/function; Has not been previously published as pathogenic or benign to our knowledge